The following is an entry in ClinVar:

NM_001273.5(CHD4):c.971C>T (p.Ala324Val)

Gene: CHD4 (chromodomain helicase DNA binding protein 4; minus strand). Cytogenetic location: 12p13.31.
Variant type: single nucleotide variant.
Coding change: c.971C>T on transcript NM_001273.5 (MANE Select); coding-DNA position 971, C replaced by T.
Protein change: p.Ala324Val; replaces alanine 324 with valine.
Molecular consequence: missense variant.
Genome position (GRCh38, 1-based): chr12:6,600,626, G>A on the plus strand (C>T on the coding strand, the complement: CHD4 is on the minus strand). VCF-style: chr12-6600626-G-A. GRCh37 (hg19) VCF-style: chr12-6709792-G-A.
Other names: c.950C>T, p.Ala317Val (NM_001297553.2); c.971C>T, p.Ala324Val (NM_001363606.2); short protein forms A317V, A324V.
Identifiers: ClinVar variation 1710825 (VCV001710825.2), dbSNP rs1948573084, ClinGen allele CA383601918.

ClinVar aggregate classification (germline): Uncertain significance (1 of 4 stars; one submission).

Allele frequency attached by ClinVar (database versions not stated): gnomAD exomes below 0.00001.
gnomAD v4.1: 2 of 1,613,886 alleles (0.00012%); highest among the groups gnomAD compares: East Asian, 0.0022%; no homozygotes.

Submission:

GeneDx
Classification: Uncertain significance. Last evaluated: 2022-04-05. Review status: criteria provided, single submitter. Criteria: GeneDx Variant Classification Process June 2021. Collection method: clinical testing. Allele origin: germline. Affected: yes.
Comment: Not observed at significant frequency in large population cohorts (gnomAD); In silico analysis supports that this missense variant has a deleterious effect on protein structure/function; Has not been previously published as pathogenic or benign to our knowledge